The following is an entry in ClinVar:

NM_005559.4(LAMA1):c.5867A>G (p.Asn1956Ser)

Gene: LAMA1 (laminin subunit alpha 1; minus strand). Cytogenetic location: 18p11.31.
Variant type: single nucleotide variant.
Coding change: c.5867A>G on transcript NM_005559.4 (MANE Select); coding-DNA position 5867, A replaced by G.
Protein change: p.Asn1956Ser; replaces asparagine 1956 with serine.
Molecular consequence: missense variant.
Genome position (GRCh38, 1-based): chr18:6,982,520, T>C on the plus strand (A>G on the coding strand, the complement: LAMA1 is on the minus strand). VCF-style: chr18-6982520-T-C. GRCh37 (hg19) VCF-style: chr18-6982519-T-C.
Other names: short protein forms N1956S.
Identifiers: ClinVar variation 377115 (VCV000377115.45), dbSNP rs117433399, ClinGen allele CA8881448.

ClinVar aggregate classification (germline): Conflicting classifications of pathogenicity. Review status: criteria provided, conflicting classifications (1 of 4 stars). 8 submissions from 8 submitters: Uncertain significance (2); Benign (1); Likely benign (2). 3 of the submissions do not count toward it. Last evaluated 2026-02-01.

Conditions:
LAMA1-related disorder. Also called: LAMA1-related condition; LAMA1-related disorders.

Allele frequency attached by ClinVar (database versions not stated): 1000 Genomes Project 0.00120; ESP Exome Variant Server 0.00123; ExAC 0.00124; gnomAD 0.00136 and 0.00137; gnomAD exomes 0.00149 and 0.00226; TOPMed 0.00171; 1000 Genomes Project 30x 0.00187.
gnomAD v4.1: 3,495 of 1,614,174 alleles (0.22%); highest among the groups gnomAD compares: Non-Finnish European, 0.27%; 6 homozygotes.

Submissions (8):

Labcorp Genetics (formerly Invitae), Labcorp
Classification: Benign. Last evaluated: 2026-02-01. Review status: criteria provided, single submitter. Criteria: Invitae Variant Classification Sherloc (09022015). Collection method: clinical testing. Allele origin: germline.

Blueprint Genetics
Classification: Likely benign. Last evaluated: 2024-11-26. Review status: criteria provided, single submitter. Criteria: ACMG Guidelines, 2015. Collection method: clinical testing. Allele origin: germline.

CeGaT Center for Human Genetics Tuebingen
Classification: Likely benign. Last evaluated: 2024-05-01. Review status: criteria provided, single submitter. Criteria: CeGaT Center For Human Genetics Tuebingen Variant Classification Criteria Version 2. Collection method: clinical testing. Allele origin: germline. Affected: yes. Observed: 2 variant alleles.
Comment: LAMA1: BP4, BS2

Eurofins Ntd Llc (ga)
Classification: Uncertain significance. Last evaluated: 2018-07-27. Review status: criteria provided, single submitter. Criteria: EGL ClinVar v180209 classification definitions. Collection method: clinical testing. Allele origin: germline. Observed: 1 variant allele, 1 heterozygote.

Center for Pediatric Genomic Medicine, Children's Mercy Hospital and Clinics
Classification: Uncertain significance. Last evaluated: 2016-12-28. Review status: criteria provided, single submitter. Criteria: ACMG Guidelines, 2015. Collection method: clinical testing. Allele origin: germline.
ClinVar note: Converted during submission from Uncertain Significance to Uncertain significance.

PreventionGenetics, part of Exact Sciences
Classification: Likely benign for LAMA1-related condition. Last evaluated: 2023-11-26. Review status: no assertion criteria provided. Collection method: clinical testing. Allele origin: germline. Not counted in ClinVar's aggregate classification.
Comment: This variant is classified as likely benign based on ACMG/AMP sequence variant interpretation guidelines (Richards et al. 2015 PMID: 25741868, with internal and published modifications).

Clinical Genetics DNA and cytogenetics Diagnostics Lab, Erasmus MC, Erasmus Medical Center
Classification: Likely benign. Review status: no assertion criteria provided. Collection method: clinical testing. Allele origin: germline. Affected: yes. Study: VKGL Data-share Consensus. Not counted in ClinVar's aggregate classification.

Laboratory of Diagnostic Genome Analysis, Leiden University Medical Center (LUMC)
Classification: Likely benign. Review status: no assertion criteria provided. Collection method: clinical testing. Allele origin: germline. Affected: yes. Study: VKGL Data-share Consensus. Not counted in ClinVar's aggregate classification.